The following is an entry in ClinVar:

ClinVar aggregate classification (germline): Uncertain significance (1 of 4 stars; one submission).

Conditions:
H syndrome. Also called: Pigmented hypertrichosis and insulin-dependent diabetes mellitus; HISTIOCYTOSIS AND LYMPHADENOPATHY WITH OR WITHOUT CUTANEOUS, CARDIAC, AND/OR ENDOCRINE FEATURES, JOINT CONTRACTURES, AND/OR DEAFNESS; HYPERPIGMENTATION, CUTANEOUS, WITH HYPERTRICHOSIS, HEPATOSPLENOMEGALY, HEART ANOMALIES, AND HYPOGONADISM WITH OR WITHOUT HEARING LOSS; Histiocytosis with joint contractures and sensorineural deafness; PIGMENTED HYPERTRICHOSIS WITH INSULIN-DEPENDENT DIABETES MELLITUS; ROSAI-DORFMAN DISEASE, FAMILIAL. Identifiers: Orphanet 168569, MedGen C1864445, MONDO:0011273, OMIM 602782.

Allele frequency attached by ClinVar (database versions not stated): gnomAD below 0.00001 and 0.00001; TOPMed below 0.00001; gnomAD exomes 0.00001.

Submission:

Labcorp Genetics (formerly Invitae), Labcorp
Classification: Uncertain significance for H syndrome. Last evaluated: 2020-06-02. Review status: criteria provided, single submitter. Criteria: Invitae Variant Classification Sherloc (09022015). Collection method: clinical testing. Allele origin: germline.
Comment: Algorithms developed to predict the effect of missense changes on protein structure and function (SIFT, PolyPhen-2, Align-GVGD) all suggest that this variant is likely to be tolerated, but these predictions have not been confirmed by published functional studies and their clinical significance is uncertain. In summary, the available evidence is currently insufficient to determine the role of this variant in disease. Therefore, it has been classified as a Variant of Uncertain Significance. This variant has not been reported in the literature in individuals with SLC29A3-related conditions. This variant is not present in population databases (ExAC no frequency). This sequence change replaces alanine with threonine at codon 267 of the SLC29A3 protein (p.Ala267Thr). The alanine residue is weakly conserved and there is a small physicochemical difference between alanine and threonine.

NM_018344.6(SLC29A3):c.799G>A (p.Ala267Thr)

Gene: SLC29A3 (solute carrier family 29 member 3; plus strand). Cytogenetic location: 10q22.1.
Variant type: single nucleotide variant.
Coding change: c.799G>A on transcript NM_018344.6 (MANE Select); coding-DNA position 799, G replaced by A.
Protein change: p.Ala267Thr; replaces alanine 267 with threonine.
Molecular consequence: missense variant. On other transcripts: 3 prime UTR variant (1), non-coding transcript variant (2).
Genome position (GRCh38, 1-based): chr10:71,361,979, G>A. VCF-style: chr10-71361979-G-A. GRCh37 (hg19) VCF-style: chr10-73121736-G-A.
Other names: c.*28G>A (NM_001174098.2); c.565G>A, p.Ala189Thr (NM_001363518.2); short protein forms A189T, A267T.
Identifiers: ClinVar variation 1023478 (VCV001023478.8), dbSNP rs1847066506, ClinGen allele CA377113844.